The following is an entry in ClinVar:

ClinVar aggregate classification (germline): Uncertain significance (1 of 4 stars; one submission).

Conditions:
Jeune thoracic dystrophy. Also called: Jeune syndrome; Infantile thoracic dystrophy; Thoracic pelvic phalangeal dystrophy; Jeune's syndrome; Chondroectodermal dysplasia-like syndrome; Short-rib thoracic dysplasia. Identifiers: Orphanet 474, MedGen C0265275, MONDO:0018770.

Allele frequency attached by ClinVar (database versions not stated): gnomAD exomes below 0.00001.
gnomAD v4.1: 1 of 1,594,590 alleles (0.000063%); highest among the groups gnomAD compares: Non-Finnish European, 0.000086%; no homozygotes.

Submission:

Labcorp Genetics (formerly Invitae), Labcorp
Classification: Uncertain significance for Jeune thoracic dystrophy. Last evaluated: 2021-11-03. Review status: criteria provided, single submitter. Criteria: Invitae Variant Classification Sherloc (09022015). Collection method: clinical testing. Allele origin: germline.
Comment: This variant is not present in population databases (gnomAD no frequency). This sequence change replaces lysine, which is basic and polar, with asparagine, which is neutral and polar, at codon 484 of the IFT80 protein (p.Lys484Asn). This variant has not been reported in the literature in individuals affected with IFT80-related conditions. In summary, the available evidence is currently insufficient to determine the role of this variant in disease. Therefore, it has been classified as a Variant of Uncertain Significance. Algorithms developed to predict the effect of missense changes on protein structure and function are either unavailable or do not agree on the potential impact of this missense change (SIFT: "Tolerated"; PolyPhen-2: "Probably Damaging"; Align-GVGD: "Class C0").

NM_020800.3(IFT80):c.1452A>T (p.Lys484Asn)

Genes: TRIM59-IFT80 (TRIM59-IFT80 readthrough (NMD candidate); minus strand), IFT80 (intraflagellar transport 80; minus strand). Cytogenetic location: 3q25.33.
Variant type: single nucleotide variant.
Coding change: c.1452A>T on transcript NM_020800.3 (MANE Select); coding-DNA position 1452, A replaced by T.
Protein change: p.Lys484Asn; replaces lysine 484 with asparagine.
Molecular consequence: missense variant. On other transcripts: non-coding transcript variant (3).
Genome position (GRCh38, 1-based): chr3:160,282,542, T>A on the plus strand (A>T on the coding strand, the complement: IFT80 is on the minus strand). VCF-style: chr3-160282542-T-A. GRCh37 (hg19) VCF-style: chr3-160000330-T-A.
Other names: c.1041A>T, p.Lys347Asn (NM_001190241.2, NM_001190242.2); short protein forms K347N, K484N.
Identifiers: ClinVar variation 1493205 (VCV001493205.6), dbSNP rs1714765993, ClinGen allele CA355192236.